The following is an entry in ClinVar:

NM_000094.4(COL7A1):c.706C>T (p.Arg236Ter)

Gene: COL7A1 (collagen type VII alpha 1 chain; minus strand). Cytogenetic location: 3p21.31.
Variant type: single nucleotide variant.
Coding change: c.706C>T on transcript NM_000094.4 (MANE Select); coding-DNA position 706, C replaced by T.
Protein change: p.Arg236Ter; replaces arginine 236 with a stop codon.
Molecular consequence: nonsense.
Genome position (GRCh38, 1-based): chr3:48,592,915, G>A on the plus strand (C>T on the coding strand, the complement: COL7A1 is on the minus strand). VCF-style: chr3-48592915-G-A. GRCh37 (hg19) VCF-style: chr3-48630348-G-A.
Other names: R109*; short protein forms R236*.
Identifiers: ClinVar variation 17462 (VCV000017462.16), dbSNP rs121912854, ClinGen allele CA127205.
Genomic context (GRCh38, chr3:48,592,915, plus strand): 5'-TGGCCGCTGTCCACTGTACTCTCAAGGATTGGCTGCTTGGCTCAGACAGCACCAGGTCTC[G>A]TGGAGCAGAGGTCGAGTCATCCGCTGGGAATGCGGGATCAGGGGATCAGGCAGGAGGATT-3'

ClinVar aggregate classification (germline): Pathogenic. Review status: criteria provided, multiple submitters, no conflicts (2 of 4 stars). 11 submissions from 10 submitters: Pathogenic (9). 2 of the submissions do not count toward it. Last evaluated 2026-04-10.

Conditions:
Epidermolysis bullosa dystrophica. Also called: Dystrophic epidermolysis bullosa; Dystrophic epidermolysis bullosa, Hallopeau-Siemens type (formerly). Identifiers: Orphanet 303, MedGen C0079294, MONDO:0006543.
Recessive dystrophic epidermolysis bullosa (RDEB). Also called: severe generalized recessive dystrophic epidermolysis bullosa; Epidermolysis Bullosa Distrophica Autosomal Recessive (RDEB); EPIDERMOLYSIS BULLOSA DYSTROPHICA, GENERALIZED SEVERE, AUTOSOMAL RECESSIVE; DYSTROPHIC EPIDERMOLYSIS BULLOSA, AUTOSOMAL RECESSIVE; EPIDERMOLYSIS BULLOSA DYSTROPHICA, HALLOPEAU-SIEMENS TYPE; epidermolysis bullosa dystrophica, autosomal recessive. Identifiers: Orphanet 79408, Orphanet 79409, MedGen C0079474, MONDO:0009179, OMIM 226600.
Epidermolysis bullosa dystrophica inversa, autosomal recessive. Identifiers: MedGen C2673612.
Abnormal blistering of the skin. Identifiers: MedGen C2132198, HP:0008066.
Alopecia of scalp. Identifiers: MedGen C0574769, HP:0002293.
Short stature. Identifiers: MedGen C0349588, HP:0004322.
Scarring. Identifiers: MedGen C0008767, HP:0100699.
Distal muscle weakness. Identifiers: MedGen C0427065, HP:0002460.
Microcephaly. Also called: Microcephaly (disease). Identifiers: MedGen C4551563, MONDO:0001149, HP:0000252.
Abnormality of the dentition. Also called: Dental anomalies. Identifiers: MedGen C0262444, HP:0000164.
Failure to thrive. Also called: Pediatric failure to thrive. Identifiers: MedGen C2315100, HP:0001508.
Nail dystrophy. Identifiers: MedGen C0221260, HP:0008404.
Hyperpigmentation of the skin. Also called: Hyperpigmentation. Identifiers: Orphanet 79375, MedGen C0162834, MONDO:0019289, HP:0000953.
Scarring alopecia of scalp. Identifiers: MedGen C3806301, HP:0004552.
EMG abnormality. Identifiers: MedGen C0476403, HP:0003457.
Abnormal dental enamel morphology. Also called: Abnormality of dental enamel. Identifiers: MedGen C4021800, HP:0000682.
Decreased body weight. Identifiers: MedGen C5574742, HP:0004325.

Allele frequency attached by ClinVar (database versions not stated): TOPMed below 0.00001; ExAC 0.00002; gnomAD 0.00001; gnomAD exomes 0.00001.
gnomAD v4.1: 12 of 1,613,848 alleles (0.00074%); highest among the groups gnomAD compares: African/African-American, 0.0027%; no homozygotes.

Submissions (11):

Dasa
Classification: Pathogenic. Last evaluated: 2026-04-10. Review status: criteria provided, single submitter. Criteria: DASA Assertion Criteria. Collection method: clinical testing. Allele origin: germline.
Comment: NM_000094.4(COL7A1):c.706C>T (p.Arg236*) introduces a premature termination codon predicted to result in loss of normal protein function. Loss-of-function is an established mechanism of disease for this gene. This variant has been observed in affected individuals with related phenotype in a genotype context consistent with recessive disease (PMID: 8037207; PMID: 27899325; PMID: 37556444; PMID: 38368142). This variant has been recurrently observed in individuals with related phenotype (PMID: 8037207; PMID: 27899325; PMID: 37556444; PMID: 38368142). The variant is present at low frequency in population datasets. Based on the available data, this variant is classified as pathogenic.

Natera, Inc.
Classification: Pathogenic for Dystrophic epidermolysis bullosa. Last evaluated: 2025-07-07. Review status: criteria provided, single submitter. Criteria: Natera Variant Classification Schema (03/2026). Collection method: clinical testing. Allele origin: germline.
Comment: The c.706C>T variant in COL7A1 is a nonsense variant predicted to introduce a stop codon at amino acid 236. This variant is expected to result in nonsense mediated decay, truncation, or a dysfunctional protein product. This variant is rare in the general population with a frequency below the threshold expected for the associated phenotype(s). This variant has been observed in one or more individuals affected with the associated recessive disease, as either homozygous or compound heterozygous with a second variant (PMID: 29753707, 27899325). Given the available evidence, this variant is classified as Pathogenic.

Labcorp Genetics (formerly Invitae), Labcorp
Classification: Pathogenic. Last evaluated: 2024-05-05. Review status: criteria provided, single submitter. Criteria: Invitae Variant Classification Sherloc (09022015). Collection method: clinical testing. Allele origin: germline.
Comment: This sequence change creates a premature translational stop signal (p.Arg236*) in the COL7A1 gene. It is expected to result in an absent or disrupted protein product. Loss-of-function variants in COL7A1 are known to be pathogenic (PMID: 16971478). This variant is present in population databases (rs121912854, gnomAD 0.007%). This premature translational stop signal has been observed in individual(s) with dystrophic epidermolysis bullosa inversa or classic severe recessive dystrophic epidermolysis bullosa (PMID: 8037207). This variant is also known as p.Arg109*. ClinVar contains an entry for this variant (Variation ID: 17462). Algorithms developed to predict the effect of sequence changes on RNA splicing suggest that this variant may disrupt the consensus splice site. For these reasons, this variant has been classified as Pathogenic.

Myriad Genetics, Inc.
Classification: Pathogenic for Recessive dystrophic epidermolysis bullosa. Last evaluated: 2024-05-04. Review status: criteria provided, single submitter. Criteria: Myriad Autosomal Dominant, Autosomal Recessive and X-Linked Classification Criteria (2023). Collection method: clinical testing. Allele origin: unknown.
Comment: NM_000094.3(COL7A1):c.706C>T(R236*) is expected to be pathogenic in the context of dystrophic epidermolysis bullosa. This variant is predicted to lead to an abnormal or absent protein product due to the creation of a premature termination codon in COL7A1, a gene where loss-of-function variants are known to be pathogenic. Please note: this variant was assessed in the context of healthy population screening.

GeneDx
Classification: Pathogenic. Last evaluated: 2023-07-05. Review status: criteria provided, single submitter. Criteria: GeneDx Variant Classification Process June 2021. Collection method: clinical testing. Allele origin: germline. Affected: yes.
Comment: Nonsense variant predicted to result in protein truncation or nonsense mediated decay in a gene for which loss of function is a known mechanism of disease; This variant is associated with the following publications: (PMID: 25525159, 35083492, 29334134, 10504458, 20555349, 16189623, 8037207, 12485454, 9326325)

Neuberg Centre For Genomic Medicine, NCGM
Classification: Pathogenic for Recessive dystrophic epidermolysis bullosa. Last evaluated: 2023-06-22. Review status: criteria provided, single submitter. Criteria: ACMG Guidelines, 2015. Collection method: clinical testing. Allele origin: germline. Inheritance: Autosomal recessive inheritance. Affected: yes.
Comment: The stop gained variant c.706C>T (p.Arg236Ter) in the COL7A1 gene has been reported in individuals in heterozygous state affected with Recessive Dystrophic Epidermolysis Bullosa (Hovnanian et al., 1994). The variant has 0.001% allele frequency in gnomAD Exomes. This variant has been reported to the ClinVar database as Pathogenic. However study on multiple affected individuals and functional studies on the pathogenicity of the variant is unavailable. This variant is predicted to cause loss of normal protein function through protein truncation. Loss of function variants have been previously reported to be disease causing (Wertheim-Tysarowska et al., 2012). For these reasons, this variant has been classified as Likely Pathogenic.

Centre for Mendelian Genomics, University Medical Centre Ljubljana
Classification: Pathogenic for Abnormal blistering of the skin; Abnormal dental enamel morphology; Abnormality of the dentition; Alopecia of scalp; Decreased body weight; Distal muscle weakness; EMG abnormality; Failure to thrive; Hyperpigmentation of the skin; Microcephaly; Nail dystrophy; Scarring; Scarring alopecia of scalp; Short stature. Last evaluated: 2015-05-07. Review status: criteria provided, single submitter. Criteria: ACMG Guidelines, 2015. Collection method: clinical testing. Allele origin: unknown. Affected: yes.

Biomedical Innovation Departament, CIEMAT
Classification: Pathogenic for Dystrophic epidermolysis bullosa. Last evaluated: 2014-04-01. Review status: criteria provided, single submitter. Criteria: ACMG Guidelines, 2015. Collection method: research. Allele origin: germline. Affected: yes. Observed: 1 variant allele.

Juno Genomics, Hangzhou Juno Genomics, Inc
Classification: Pathogenic for Recessive dystrophic epidermolysis bullosa. Review status: criteria provided, single submitter. Criteria: ACMG Guidelines, 2015. Collection method: clinical testing. Allele origin: germline.
Comment: Absent from controls (or at extremely low frequency if recessive) in Genome Aggregation Database.;Null variant in a gene where loss of function (LOF) is a known mechanism of disease.;For recessive disorders, detected in trans with a pathogenic variant.

OMIM
Classification: Pathogenic for EPIDERMOLYSIS BULLOSA DYSTROPHICA INVERSA, AUTOSOMAL RECESSIVE. Last evaluated: 1994-08-01. Review status: no assertion criteria provided. Collection method: literature only. Allele origin: germline. Not counted in ClinVar's aggregate classification.

OMIM
Classification: Pathogenic for EPIDERMOLYSIS BULLOSA DYSTROPHICA, AUTOSOMAL RECESSIVE. Last evaluated: 1994-08-01. Review status: no assertion criteria provided. Collection method: literature only. Allele origin: germline. Not counted in ClinVar's aggregate classification.

Literature cited by the submitters: PubMed 8037207 (cited by 4 submitters); PubMed 27899325 (cited by Dasa and Natera, Inc.); PubMed 37556444 (cited by Dasa); PubMed 38368142 (cited by Dasa); PubMed 29753707 (cited by Natera, Inc.); PubMed 16971478 (cited by Labcorp Genetics (formerly Invitae), Labcorp).